The following is an entry in ClinVar:

NM_000455.5(STK11):c.1046A>C (p.Glu349Ala)

Genes: STK11 (serine/threonine kinase 11; plus strand), LOC130062899 (ATAC-STARR-seq lymphoblastoid active region 13597; plus strand). Cytogenetic location: 19p13.3.
Variant type: single nucleotide variant.
Coding change: c.1046A>C on transcript NM_000455.5 (MANE Select); coding-DNA position 1046, A replaced by C.
Protein change: p.Glu349Ala; replaces glutamic acid 349 with alanine.
Molecular consequence: missense variant.
Genome position (GRCh38, 1-based): chr19:1,223,110, A>C. VCF-style: chr19-1223110-A-C. GRCh37 (hg19) VCF-style: chr19-1223109-A-C.
Other names: short protein forms E349A.
Identifiers: ClinVar variation 403783 (VCV000403783.14), dbSNP rs757815836, ClinGen allele CA16616232.

ClinVar aggregate classification (germline): Conflicting classifications of pathogenicity. Review status: criteria provided, conflicting classifications (1 of 4 stars). 3 submissions from 3 submitters: Uncertain significance (2); Likely benign (1). Last evaluated 2026-04-17.

Conditions:
Breast and/or ovarian cancer. Identifiers: MedGen CN221562.
Hereditary cancer-predisposing syndrome. Also called: Hereditary Cancer Syndrome; Tumor predisposition; Hereditary neoplastic syndrome; Neoplastic Syndromes, Hereditary. Identifiers: Orphanet 140162, MedGen C0027672, MeSH D009386, MONDO:0015356.
Peutz-Jeghers syndrome (PJS). Also called: POLYPOSIS, HAMARTOMATOUS INTESTINAL; POLYPS-AND-SPOTS SYNDROME; Peutz-Jeghers polyposis; Periorificial lentiginosis syndrome. Identifiers: Orphanet 2869, MedGen C0031269, MeSH D010580, MONDO:0008280, OMIM 175200.

gnomAD v4.1: 1 of 1,611,664 alleles (0.000062%); highest among the groups gnomAD compares: Non-Finnish European, 0.000085%; no homozygotes.

Submissions (3):

Ambry Genetics
Classification: Likely benign for Hereditary cancer-predisposing syndrome. Last evaluated: 2026-04-17. Review status: criteria provided, single submitter. Criteria: Ambry Variant Classification Scheme 2023. Collection method: clinical testing. Allele origin: germline.

Labcorp Genetics (formerly Invitae), Labcorp
Classification: Uncertain significance for Peutz-Jeghers syndrome. Last evaluated: 2026-02-02. Review status: criteria provided, single submitter. Criteria: Invitae Variant Classification Sherloc (09022015). Collection method: clinical testing. Allele origin: germline.
Comment: This sequence change replaces glutamic acid, which is acidic and polar, with alanine, which is neutral and non-polar, at codon 349 of the STK11 protein (p.Glu349Ala). This variant is not present in population databases (gnomAD no frequency). This variant has not been reported in the literature in individuals affected with STK11-related conditions. ClinVar contains an entry for this variant (Variation ID: 403783). Invitae Evidence Modeling of protein sequence and biophysical properties (such as structural, functional, and spatial information, amino acid conservation, physicochemical variation, residue mobility, and thermodynamic stability) indicates that this missense variant is not expected to disrupt STK11 protein function with a negative predictive value of 95%. In summary, the available evidence is currently insufficient to determine the role of this variant in disease. Therefore, it has been classified as a Variant of Uncertain Significance.

CHEO Genetics Diagnostic Laboratory, Children's Hospital of Eastern Ontario
Classification: Uncertain significance for Breast and/or ovarian cancer. Last evaluated: 2022-01-25. Review status: criteria provided, single submitter. Criteria: ACMG Guidelines, 2015. Collection method: clinical testing. Allele origin: germline.